The following is an entry in ClinVar:

NM_001429.4(EP300):c.6636G>A (p.Gln2212=)

Gene: EP300 (EP300 lysine acetyltransferase; plus strand). Cytogenetic location: 22q13.2.
Variant type: single nucleotide variant.
Coding change: c.6636G>A on transcript NM_001429.4 (MANE Select); coding-DNA position 6636, G replaced by A.
Protein change: p.Gln2212=; no amino-acid change (glutamine 2212 retained).
Molecular consequence: synonymous variant.
Genome position (GRCh38, 1-based): chr22:41,178,347, G>A. VCF-style: chr22-41178347-G-A. GRCh37 (hg19) VCF-style: chr22-41574351-G-A.
Other names: c.6558G>A, p.Gln2186= (NM_001362843.2).
Identifiers: ClinVar variation 158569 (VCV000158569.45), dbSNP rs142673005, ClinGen allele CA172153.
Genomic context (GRCh38, chr22:41,178,347, plus strand): 5'-GCAGCAACAGGGAGCAGGGCCAGGAATAGGCCCTGGAATGGCCAACCATAACCAGTTCCA[G>A]CAACCCCAAGGAGTTGGCTACCCACCACAGCAGCAGCAGCGGATGCAGCATCACATGCAA-3'
Protein context (NP_001420.2, residues 2202-2222): GPGMANHNQF[Gln2212=]QPQGVGYPPQ

ClinVar aggregate classification (germline): Benign/Likely benign. Review status: criteria provided, multiple submitters, no conflicts (2 of 4 stars). 6 submissions from 6 submitters: Benign (4); Likely benign (2). Last evaluated 2026-09-01.

Conditions:
Rubinstein-Taybi syndrome due to EP300 haploinsufficiency. Also called: EP300-Related Rubinstein-Taybi Syndrome; RUBINSTEIN-TAYBI SYNDROME 2. Identifiers: Orphanet 353284, Orphanet 783, MedGen C3150941, MONDO:0013364, OMIM 613684.

Allele frequency attached by ClinVar (database versions not stated): 1000 Genomes Project 0.00140; gnomAD exomes 0.00190; ExAC 0.00191; gnomAD 0.00214 and 0.00225; ESP Exome Variant Server 0.00238; TOPMed 0.00254.
gnomAD v4.1: 4,991 of 1,608,170 alleles (0.31%); highest among the groups gnomAD compares: Non-Finnish European, 0.39%; 15 homozygotes.

Submissions (6):

CeGaT Center for Human Genetics Tuebingen
Classification: Benign. Last evaluated: 2026-09-01. Review status: criteria provided, single submitter. Criteria: CeGaT Center For Human Genetics Tuebingen Variant Classification Criteria Version 2. Collection method: clinical testing. Allele origin: germline. Affected: yes. Observed: 16 variant alleles.
Comment: EP300: BP4, BS1, BS2

Labcorp Genetics (formerly Invitae), Labcorp
Classification: Benign for Rubinstein-Taybi syndrome due to EP300 haploinsufficiency. Last evaluated: 2026-01-28. Review status: criteria provided, single submitter. Criteria: Invitae Variant Classification Sherloc (09022015). Collection method: clinical testing. Allele origin: germline.

Blueprint Genetics
Classification: Likely benign. Last evaluated: 2024-11-27. Review status: criteria provided, single submitter. Criteria: ACMG Guidelines, 2015. Collection method: clinical testing. Allele origin: germline.

GeneDx
Classification: Benign. Last evaluated: 2019-03-21. Review status: criteria provided, single submitter. Criteria: GeneDx Variant Classification Process June 2021. Collection method: clinical testing. Allele origin: germline. Affected: yes.

Eurofins Ntd Llc (ga)
Classification: Benign. Last evaluated: 2015-01-29. Review status: criteria provided, single submitter. Criteria: EGL Classification Definitions 2015. Collection method: clinical testing. Allele origin: germline. Observed: 1 variant allele, 1 heterozygote.

Genetic Services Laboratory, University of Chicago
Classification: Likely benign. Last evaluated: 2013-09-18. Review status: criteria provided, single submitter. Criteria: ACMG Guidelines, 2007. Collection method: clinical testing. Allele origin: germline. Inheritance: Autosomal dominant inheritance.